The following is an entry in ClinVar:

ClinVar aggregate classification (germline): Uncertain significance. Review status: criteria provided, multiple submitters, no conflicts (2 of 4 stars). 4 submissions from 4 submitters: Uncertain significance (4). Last evaluated 2025-06-23.

Conditions:
Hereditary cancer-predisposing syndrome. Also called: Hereditary neoplastic syndrome; Neoplastic Syndromes, Hereditary; Tumor predisposition; Hereditary Cancer Syndrome. Identifiers: Orphanet 140162, MedGen C0027672, MeSH D009386, MONDO:0015356.
Familial adenomatous polyposis 1 (FAP1). Also called: POLYPOSIS, ADENOMATOUS INTESTINAL; FAMILIAL ADENOMATOUS POLYPOSIS 1, ATTENUATED. Identifiers: MedGen C2713442, MONDO:0021056, OMIM 175100. Disease mechanism: loss of function.

Allele frequency attached by ClinVar (database versions not stated): TOPMed below 0.00001; gnomAD 0.00001.
gnomAD v4.1: 1 of 1,614,020 alleles (0.000062%); highest among the groups gnomAD compares: Non-Finnish European, 0.000085%; no homozygotes.

Submissions (4):

Color Diagnostics, LLC DBA Color Health
Classification: Uncertain significance for Hereditary cancer-predisposing syndrome. Last evaluated: 2025-06-23. Review status: criteria provided, single submitter. Criteria: ACMG Guidelines, 2015. Collection method: clinical testing. Allele origin: germline.
Comment: This missense variant replaces glutamine with arginine at codon 2701 of the APC protein. Computational prediction suggests that this variant may not impact protein structure and function. To our knowledge, functional studies have not been reported for this variant. This variant has not been reported in individuals affected with APC-related disorders in the literature. This variant has not been identified in the general population by the Genome Aggregation Database (gnomAD). The available evidence is insufficient to determine the role of this variant in disease conclusively. Therefore, this variant is classified as a Variant of Uncertain Significance.

Labcorp Genetics (formerly Invitae), Labcorp
Classification: Uncertain significance for Familial adenomatous polyposis 1. Last evaluated: 2025-03-31. Review status: criteria provided, single submitter. Criteria: Invitae Variant Classification Sherloc (09022015). Collection method: clinical testing. Allele origin: germline.
Comment: This sequence change replaces glutamine, which is neutral and polar, with arginine, which is basic and polar, at codon 2701 of the APC protein (p.Gln2701Arg). This variant is not present in population databases (gnomAD no frequency). This variant has not been reported in the literature in individuals affected with APC-related conditions. ClinVar contains an entry for this variant (Variation ID: 1318573). Invitae Evidence Modeling of protein sequence and biophysical properties (such as structural, functional, and spatial information, amino acid conservation, physicochemical variation, residue mobility, and thermodynamic stability) indicates that this missense variant is not expected to disrupt APC protein function with a negative predictive value of 95%. In summary, the available evidence is currently insufficient to determine the role of this variant in disease. Therefore, it has been classified as a Variant of Uncertain Significance.

Ambry Genetics
Classification: Uncertain significance for Hereditary cancer-predisposing syndrome. Last evaluated: 2023-11-02. Review status: criteria provided, single submitter. Criteria: Ambry Variant Classification Scheme 2023. Collection method: clinical testing. Allele origin: germline.
Comment: The p.Q2701R variant (also known as c.8102A>G), located in coding exon 15 of the APC gene, results from an A to G substitution at nucleotide position 8102. The glutamine at codon 2701 is replaced by arginine, an amino acid with highly similar properties. This amino acid position is well conserved in available vertebrate species. In addition, in silico predictors for this gene do not accurately predict pathogenicity. Since supporting evidence is limited at this time, the clinical significance of this alteration remains unclear.

GeneDx
Classification: Uncertain significance. Last evaluated: 2023-09-06. Review status: criteria provided, single submitter. Criteria: GeneDx Variant Classification Process June 2021. Collection method: clinical testing. Allele origin: germline. Affected: yes.
Comment: Not observed in large population cohorts (gnomAD); In silico analysis, which includes protein predictors and evolutionary conservation, supports that this variant does not alter protein structure/function; Has not been previously published as pathogenic or benign to our knowledge; This variant is associated with the following publications: (PMID: 18199528)

NM_000038.6(APC):c.8102A>G (p.Gln2701Arg)

Gene: APC (APC regulator of Wnt signaling pathway; plus strand). Cytogenetic location: 5q22.2.
Variant type: single nucleotide variant.
Coding change: c.8102A>G on transcript NM_000038.6 (MANE Select); coding-DNA position 8102, A replaced by G.
Protein change: p.Gln2701Arg; replaces glutamine 2701 with arginine.
Molecular consequence: missense variant.
Genome position (GRCh38, 1-based): chr5:112,843,696, A>G. VCF-style: chr5-112843696-A-G. GRCh37 (hg19) VCF-style: chr5-112179393-A-G.
Other names: c.8102A>G, p.Gln2701Arg (NM_001127510.3, NM_001354895.2); c.8048A>G, p.Gln2683Arg (NM_001127511.3); c.8156A>G, p.Gln2719Arg (NM_001354896.2); c.8132A>G, p.Gln2711Arg (NM_001354897.2); c.8027A>G, p.Gln2676Arg (NM_001354898.2); c.8018A>G, p.Gln2673Arg (NM_001354899.2); c.7979A>G, p.Gln2660Arg (NM_001354900.2); c.7925A>G, p.Gln2642Arg (NM_001354901.2); and 5 more; short protein forms Q2418R, Q2541R, Q2575R, Q2600R, Q2610R, Q2642R, Q2660R, Q2673R.
Identifiers: ClinVar variation 1318573 (VCV001318573.10), dbSNP rs1213679188, ClinGen allele CA16038928.